The following is an entry in ClinVar:

NM_206933.4(USH2A):c.7507T>C (p.Tyr2503His)

Gene: USH2A (usherin; minus strand). Cytogenetic location: 1q41.
Variant type: single nucleotide variant.
Coding change: c.7507T>C on transcript NM_206933.4 (MANE Select); coding-DNA position 7507, T replaced by C.
Protein change: p.Tyr2503His; replaces tyrosine 2503 with histidine.
Molecular consequence: missense variant.
Genome position (GRCh38, 1-based): chr1:215,900,162, A>G on the plus strand (T>C on the coding strand, the complement: USH2A is on the minus strand). VCF-style: chr1-215900162-A-G. GRCh37 (hg19) VCF-style: chr1-216073504-A-G.
Other names: short protein forms Y2503H.
Identifiers: ClinVar variation 3898932 (VCV003898932.2).

ClinVar aggregate classification (germline): Uncertain significance. Review status: criteria provided, multiple submitters, no conflicts (2 of 4 stars). 2 submissions from 2 submitters: Uncertain significance (2). Last evaluated 2025-03-20.

gnomAD v4.1: 1 of 1,613,756 alleles (0.000062%); highest among the groups gnomAD compares: Non-Finnish European, 0.000085%; no homozygotes.

Submissions (2):

Labcorp Genetics (formerly Invitae), Labcorp
Classification: Uncertain significance. Last evaluated: 2025-03-20. Review status: criteria provided, single submitter. Criteria: Invitae Variant Classification Sherloc (09022015). Collection method: clinical testing. Allele origin: germline.
Comment: This sequence change replaces tyrosine, which is neutral and polar, with histidine, which is basic and polar, at codon 2503 of the USH2A protein (p.Tyr2503His). This variant is not present in population databases (gnomAD no frequency). This variant has not been reported in the literature in individuals affected with USH2A-related conditions. Invitae Evidence Modeling of protein sequence and biophysical properties (such as structural, functional, and spatial information, amino acid conservation, physicochemical variation, residue mobility, and thermodynamic stability) indicates that this missense variant is not expected to disrupt USH2A protein function with a negative predictive value of 95%. In summary, the available evidence is currently insufficient to determine the role of this variant in disease. Therefore, it has been classified as a Variant of Uncertain Significance.

GeneDx
Classification: Uncertain significance. Last evaluated: 2024-11-06. Review status: criteria provided, single submitter. Criteria: GeneDx Variant Classification Process June 2021. Collection method: clinical testing. Allele origin: germline. Affected: yes.
Comment: Not observed at significant frequency in large population cohorts (gnomAD); In silico analysis supports that this missense variant has a deleterious effect on protein structure/function; Has not been previously published as pathogenic or benign to our knowledge